The following is an entry in ClinVar:

NM_020461.4(TUBGCP6):c.3405G>A (p.Gly1135=)

Gene: TUBGCP6 (tubulin gamma complex component 6; minus strand). Cytogenetic location: 22q13.33.
Variant type: single nucleotide variant.
Coding change: c.3405G>A on transcript NM_020461.4 (MANE Select); coding-DNA position 3405, G replaced by A.
Protein change: p.Gly1135=; no amino-acid change (glycine 1135 retained).
Molecular consequence: synonymous variant.
Genome position (GRCh38, 1-based): chr22:50,220,954, C>T on the plus strand (G>A on the coding strand, the complement: TUBGCP6 is on the minus strand). VCF-style: chr22-50220954-C-T. GRCh37 (hg19) VCF-style: chr22-50659383-C-T.
Identifiers: ClinVar variation 1946128 (VCV001946128.29), dbSNP rs1350829386, ClinGen allele CA515376282.

ClinVar aggregate classification (germline): Likely benign. Review status: criteria provided, multiple submitters, no conflicts (2 of 4 stars). 2 submissions from 2 submitters: Likely benign (2). Last evaluated 2023-04-01.

Submissions (2):

CeGaT Center for Human Genetics Tuebingen
Classification: Likely benign. Last evaluated: 2023-04-01. Review status: criteria provided, single submitter. Criteria: CeGaT Center For Human Genetics Tuebingen Variant Classification Criteria Version 2. Collection method: clinical testing. Allele origin: germline. Affected: yes. Observed: 1 variant allele.
Comment: TUBGCP6: BP4, BP7

Labcorp Genetics (formerly Invitae), Labcorp
Classification: Likely benign. Last evaluated: 2022-07-09. Review status: criteria provided, single submitter. Criteria: Invitae Variant Classification Sherloc (09022015). Collection method: clinical testing. Allele origin: germline.